The following is an entry in ClinVar:

ClinVar aggregate classification (germline): Uncertain significance (1 of 4 stars; one submission).

Allele frequency attached by ClinVar (database versions not stated): ExAC 0.00002; gnomAD 0.00002; TOPMed 0.00002; ESP Exome Variant Server 0.00009.

Submission:

GeneDx
Classification: Uncertain significance. Last evaluated: 2022-09-06. Review status: criteria provided, single submitter. Criteria: GeneDx Variant Classification Process June 2021. Collection method: clinical testing. Allele origin: germline. Affected: yes.
Comment: In silico analysis supports that this missense variant does not alter protein structure/function; Has not been previously published as pathogenic or benign to our knowledge

NM_004429.5(EFNB1):c.685G>T (p.Asp229Tyr)

Gene: EFNB1 (ephrin B1; plus strand). Cytogenetic location: Xq13.1.
Variant type: single nucleotide variant.
Coding change: c.685G>T on transcript NM_004429.5 (MANE Select); coding-DNA position 685, G replaced by T.
Protein change: p.Asp229Tyr; replaces aspartic acid 229 with tyrosine.
Molecular consequence: missense variant.
Genome position (GRCh38, 1-based): chrX:68,840,298, G>T. VCF-style: chrX-68840298-G-T. GRCh37 (hg19) VCF-style: chrX-68060141-G-T.
Other names: short protein forms D229Y.
Identifiers: ClinVar variation 2442405 (VCV002442405.1), dbSNP rs139138728, ClinGen allele CA10438207.